The following is an entry in ClinVar:

ClinVar aggregate classification (germline): Uncertain significance (1 of 4 stars; one submission).

Conditions:
Idiopathic Pulmonary Fibrosis. Also called: Idiopathic fibrosing alveolitis, chronic form; idiopathic fibrosing alveolitis. Identifiers: Orphanet 2032, MedGen C1800706, MeSH D054990, MONDO:0800504.
Dyskeratosis congenita, autosomal dominant 2. Identifiers: MedGen C3151443, MONDO:0013521, OMIM 613989.

Allele frequency attached by ClinVar (database versions not stated): TOPMed 0.00001.
gnomAD v4.1: 3 of 1,568,094 alleles (0.00019%); highest among the groups gnomAD compares: East Asian, 0.007%; no homozygotes.

Submission:

Labcorp Genetics (formerly Invitae), Labcorp
Classification: Uncertain significance for Dyskeratosis congenita, autosomal dominant 2; Idiopathic Pulmonary Fibrosis. Last evaluated: 2025-10-27. Review status: criteria provided, single submitter. Criteria: Invitae Variant Classification Sherloc (09022015). Collection method: clinical testing. Allele origin: germline.
Comment: This sequence change replaces glutamine, which is neutral and polar, with arginine, which is basic and polar, at codon 384 of the TERT protein (p.Gln384Arg). This variant is present in population databases (no rsID available, gnomAD 0.06%). This variant has not been reported in the literature in individuals affected with TERT-related conditions. ClinVar contains an entry for this variant (Variation ID: 1524662). Invitae Evidence Modeling of protein sequence and biophysical properties (such as structural, functional, and spatial information, amino acid conservation, physicochemical variation, residue mobility, and thermodynamic stability) indicates that this missense variant is not expected to disrupt TERT protein function with a negative predictive value of 95%. In summary, the available evidence is currently insufficient to determine the role of this variant in disease. Therefore, it has been classified as a Variant of Uncertain Significance.

NM_198253.3(TERT):c.1151A>G (p.Gln384Arg)

Gene: TERT (telomerase reverse transcriptase; minus strand). Cytogenetic location: 5p15.33.
Variant type: single nucleotide variant.
Coding change: c.1151A>G on transcript NM_198253.3 (MANE Select); coding-DNA position 1151, A replaced by G.
Protein change: p.Gln384Arg; replaces glutamine 384 with arginine.
Molecular consequence: missense variant. On other transcripts: non-coding transcript variant (2).
Genome position (GRCh38, 1-based): chr5:1,293,735, T>C on the plus strand (A>G on the coding strand, the complement: TERT is on the minus strand). VCF-style: chr5-1293735-T-C. GRCh37 (hg19) VCF-style: chr5-1293850-T-C.
Other names: c.1151A>G, p.Gln384Arg (NM_001193376.3); short protein forms Q384R.
Identifiers: ClinVar variation 1524662 (VCV001524662.8), dbSNP rs1167344136, ClinGen allele CA359086728.
Genomic context (GRCh38, chr5:1,293,735, plus strand): 5'-GGGCACTGCGCGTGGTTCCCAAGCAGCTCCAGAAACAGGGGCCGCATTTGCCAGTAGCGC[T>C]GGGGCAGGCGGGGCAACCTGCGGGGAGTCCCTGGCATCCAGGGCCTGGAACCCAGAAAGA-3'
Protein context (NP_937983.2, residues 374-394): GTPRRLPRLP[Gln384Arg]RYWQMRPLFL